The following is an entry in ClinVar:

ClinVar aggregate classification (germline): Uncertain significance. Review status: criteria provided, single submitter (1 of 4 stars). 2 submissions from 2 submitters: Uncertain significance (1). 1 of the submissions does not count toward it. Last evaluated 2023-01-19.

Conditions:
PROC-related disorder. Also called: PROC-related condition.
Thrombophilia due to protein C deficiency, autosomal dominant. Also called: PROC DEFICIENCY, AUTOSOMAL DOMINANT; PROTEIN C DEFICIENCY, AUTOSOMAL DOMINANT. Identifiers: Orphanet 745, MedGen C2674321, MONDO:0008316, OMIM 176860. Disease mechanism: loss of function.

Allele frequency attached by ClinVar (database versions not stated): gnomAD exomes 0.00002.

Submissions (2):

Labcorp Genetics (formerly Invitae), Labcorp
Classification: Uncertain significance for Thrombophilia due to protein C deficiency, autosomal dominant. Last evaluated: 2023-01-19. Review status: criteria provided, single submitter. Criteria: Invitae Variant Classification Sherloc (09022015). Collection method: clinical testing. Allele origin: germline.
Comment: This variant has not been reported in the literature in individuals affected with PROC-related conditions. This variant is present in population databases (no rsID available, gnomAD 0.006%). This variant occurs in a non-coding region of the PROC gene. It does not change the encoded amino acid sequence of the PROC protein. Experimental studies and prediction algorithms are not available or were not evaluated, and the functional significance of this variant is currently unknown. In summary, the available evidence is currently insufficient to determine the role of this variant in disease. Therefore, it has been classified as a Variant of Uncertain Significance.

PreventionGenetics, part of Exact Sciences
Classification: Likely benign for PROC-related condition. Last evaluated: 2021-02-19. Review status: no assertion criteria provided. Collection method: clinical testing. Allele origin: germline. Not counted in ClinVar's aggregate classification.
Comment: This variant is classified as likely benign based on ACMG/AMP sequence variant interpretation guidelines (Richards et al. 2015 PMID: 25741868, with internal and published modifications).

NC_000002.12:g.127418412T>C

Gene: PROC (protein C, inactivator of coagulation factors Va and VIIIa; plus strand). Cytogenetic location: 2q14.3.
Variant type: single nucleotide variant.
Genome position: GRCh38 VCF-style: chr2-127418412-T-C. GRCh37 (hg19) VCF-style: chr2-128175988-T-C.
Identifiers: ClinVar variation 2714995 (VCV002714995.3), dbSNP rs1055939684, ClinGen allele CA55339652.